The following is an entry in ClinVar:

ClinVar aggregate classification (germline): Uncertain significance (1 of 4 stars; one submission).

Conditions:
Proline dehydrogenase deficiency (HYRPRO1). Also called: PROLINE OXIDASE DEFICIENCY; Hyperprolinemia type 1. Identifiers: Orphanet 419, MedGen C0268529, MONDO:0009400, OMIM 239500.

Submission:

Labcorp Genetics (formerly Invitae), Labcorp
Classification: Uncertain significance for Proline dehydrogenase deficiency. Last evaluated: 2022-04-25. Review status: criteria provided, single submitter. Criteria: Invitae Variant Classification Sherloc (09022015). Collection method: clinical testing. Allele origin: germline.
Comment: This sequence change replaces histidine, which is basic and polar, with glutamine, which is neutral and polar, at codon 597 of the PRODH protein (p.His597Gln). This variant is present in population databases (no rsID available, gnomAD 0.002%). This variant has not been reported in the literature in individuals affected with PRODH-related conditions. Algorithms developed to predict the effect of missense changes on protein structure and function output the following: SIFT: "Tolerated"; PolyPhen-2: "Benign"; Align-GVGD: "Class C0". The glutamine amino acid residue is found in multiple mammalian species, which suggests that this missense change does not adversely affect protein function. In summary, the available evidence is currently insufficient to determine the role of this variant in disease. Therefore, it has been classified as a Variant of Uncertain Significance.

NM_016335.6(PRODH):c.1791T>G (p.His597Gln)

Gene: PRODH (proline dehydrogenase 1; minus strand). Cytogenetic location: 22q11.21.
Variant type: single nucleotide variant.
Coding change: c.1791T>G on transcript NM_016335.6 (MANE Select); coding-DNA position 1791, T replaced by G.
Protein change: p.His597Gln; replaces histidine 597 with glutamine.
Molecular consequence: missense variant.
Genome position (GRCh38, 1-based): chr22:18,913,187, A>C on the plus strand (T>G on the coding strand, the complement: PRODH is on the minus strand). VCF-style: chr22-18913187-A-C. GRCh37 (hg19) VCF-style: chr22-18900700-A-C.
Other names: c.1467T>G, p.His489Gln (NM_001195226.2, NM_001368250.2); short protein forms H597Q, H489Q.
Identifiers: ClinVar variation 2196333 (VCV002196333.1), dbSNP rs1466933223, ClinGen allele CA410637509.